The following is an entry in ClinVar:

NM_001146227.3(RPS20):c.334-10del

Gene: RPS20 (ribosomal protein S20; minus strand). Cytogenetic location: 8q12.1.
Variant type: Deletion.
Coding change: c.334-10del on transcript NM_001146227.3; 10 bases into the intron before coding-DNA position 334, one base deleted (T; older notation c.334-10delT).
Molecular consequence: intron variant.
Genome position (GRCh38, 1-based): chr8:56,069,843, A deleted on the plus strand (T on the coding strand, the reverse complement: RPS20 is on the minus strand); the first of 4 consecutive A bases (chr8:56,069,843-56,069,846); deleting any one gives the same sequence. VCF-style (leftmost placement, unchanged base first): chr8-56069842-CA-C. GRCh37 (hg19) VCF-style: chr8-56982401-CA-C.
Identifiers: ClinVar variation 5042385 (VCV005042385.1).

ClinVar aggregate classification (germline): Likely benign (1 of 4 stars; one submission).

Conditions:
Familial colorectal cancer type X. Identifiers: Orphanet 440437, MedGen C3896578, MONDO:0018604.

Submission:

Myriad Genetics, Inc.
Classification: Likely benign for Familial colorectal cancer type X. Last evaluated: 2026-07-31. Review status: criteria provided, single submitter. Criteria: Myriad Autosomal Dominant, Autosomal Recessive and X-Linked Classification Criteria (2023). Collection method: clinical testing. Allele origin: unknown.
Comment: This variant is considered likely benign. This variant is intronic and is not expected to impact mRNA splicing.